The following is an entry in ClinVar:

NM_000789.4(ACE):c.583G>A (p.Ala195Thr)

Gene: ACE (angiotensin I converting enzyme; plus strand). Cytogenetic location: 17q23.3.
Variant type: single nucleotide variant.
Coding change: c.583G>A on transcript NM_000789.4 (MANE Select); coding-DNA position 583, G replaced by A.
Protein change: p.Ala195Thr; replaces alanine 195 with threonine.
Molecular consequence: missense variant. On other transcripts: intron variant (2).
Genome position (GRCh38, 1-based): chr17:63,479,840, G>A. VCF-style: chr17-63479840-G-A. GRCh37 (hg19) VCF-style: chr17-61557201-G-A.
Other names: c.-197-497G>A (NM_001382701.1); c.183-497G>A (NM_001382700.1); short protein forms A195T.
Identifiers: ClinVar variation 1906261 (VCV001906261.5), dbSNP rs767340249, ClinGen allele CA8699141.

ClinVar aggregate classification (germline): Uncertain significance. Review status: criteria provided, multiple submitters, no conflicts (2 of 4 stars). 2 submissions from 2 submitters: Uncertain significance (2). Last evaluated 2024-10-14.

Conditions:
Renal tubular dysgenesis of genetic origin. Also called: PRIMITIVE RENAL TUBULE SYNDROME. Identifiers: Orphanet 97369, MedGen C5681536, MONDO:0009970, OMIM 267430.

Allele frequency attached by ClinVar (database versions not stated): gnomAD exomes 0.00001; ExAC 0.00002; gnomAD 0.00003; TOPMed 0.00004.
gnomAD v4.1: 21 of 1,612,970 alleles (0.0013%); highest among the groups gnomAD compares: Middle Eastern, 0.033%; no homozygotes.

Submissions (2):

Clinical Genomics Laboratory, Washington University in St. Louis
Classification: Uncertain significance for Renal tubular dysgenesis of genetic origin. Last evaluated: 2024-10-14. Review status: criteria provided, single submitter. Criteria: ACMG Guidelines, 2015. Collection method: clinical testing. Allele origin: germline.
Comment: An ACE c.583G>A (p.Ala195Thr) variant was identified. This variant, to our knowledge, has not been reported in the literature in relation to renal disease. It has been reported in the ClinVar database as a variant of uncertain significance by a single submitter (ClinVar variation ID: 1906261). The ACE c.583G>A (p.Ala195Thr) variant is only observed on 9/281,908 alleles in the general population (gnomAD v.2.1.1), indicating it is not a common variant. Computational predictors suggest that the variant does not impact ACE function. Due to limited information, and based on ACMG/AMP guidelines for variant interpretation (Richards S et al., PMID: 25741868), the clinical significance of this variant is uncertain at this time.

Labcorp Genetics (formerly Invitae), Labcorp
Classification: Uncertain significance. Last evaluated: 2021-12-13. Review status: criteria provided, single submitter. Criteria: Invitae Variant Classification Sherloc (09022015). Collection method: clinical testing. Allele origin: germline.
Comment: In summary, the available evidence is currently insufficient to determine the role of this variant in disease. Therefore, it has been classified as a Variant of Uncertain Significance. Algorithms developed to predict the effect of missense changes on protein structure and function output the following: SIFT: "Deleterious"; PolyPhen-2: "Benign"; Align-GVGD: "Class C0". The threonine amino acid residue is found in multiple mammalian species, which suggests that this missense change does not adversely affect protein function. This variant has not been reported in the literature in individuals affected with ACE-related conditions. This variant is present in population databases (rs767340249, gnomAD 0.02%). This sequence change replaces alanine, which is neutral and non-polar, with threonine, which is neutral and polar, at codon 195 of the ACE protein (p.Ala195Thr).